The following is an entry in ClinVar:

ClinVar aggregate classification (germline): Uncertain significance (1 of 4 stars; one submission).

Conditions:
RFT1-congenital disorder of glycosylation (CDG1N). Also called: Congenital disorder of glycosylation type In; RFT1-CDG; CDG In. Identifiers: Orphanet 244310, MedGen C2677590, MONDO:0012783, OMIM 612015.

Submission:

Labcorp Genetics (formerly Invitae), Labcorp
Classification: Uncertain significance for RFT1-congenital disorder of glycosylation. Last evaluated: 2021-12-19. Review status: criteria provided, single submitter. Criteria: Invitae Variant Classification Sherloc (09022015). Collection method: clinical testing. Allele origin: germline.
Comment: This variant, c.1239_1241del, results in the deletion of 1 amino acid(s) of the RFT1 protein (p.Ser414del), but otherwise preserves the integrity of the reading frame. This variant is not present in population databases (gnomAD no frequency). This variant has not been reported in the literature in individuals affected with RFT1-related conditions. Experimental studies and prediction algorithms are not available or were not evaluated, and the functional significance of this variant is currently unknown. In summary, the available evidence is currently insufficient to determine the role of this variant in disease. Therefore, it has been classified as a Variant of Uncertain Significance.

NM_052859.4(RFT1):c.1236CTC[1] (p.Ser414del)

Gene: RFT1 (RFT1 glycolipid translocator homolog; minus strand). Cytogenetic location: 3p21.1.
Variant type: Microsatellite.
Coding change: c.1236CTC[1] on transcript NM_052859.4 (MANE Select); one copy of the 3-base unit CTC starting at c.1236; the reference has two copies in a row; one copy, 3 bases deleted.
Protein change: p.Ser414del; deletes serine 414.
Molecular consequence: inframe deletion.
Genome position (GRCh38, 1-based): chr3:53,092,586-53,092,588, GAG deleted on the plus strand (CTC on the coding strand, the reverse complement: RFT1 is on the minus strand); deleting any 3 consecutive bases within chr3:53,092,586-53,092,593 gives the same sequence; the position shown is the placement nearest the transcript's 3' end. VCF-style (leftmost placement, unchanged base first): chr3-53092585-TGAG-T. GRCh37 (hg19) VCF-style: chr3-53126601-TGAG-T.
Other names: short protein forms S414del.
Identifiers: ClinVar variation 1977982 (VCV001977982.5), dbSNP rs1553651808, ClinGen allele CA353227249.